The following is an entry in ClinVar:

NM_001130144.3(LTBP3):c.2942A>G (p.Asn981Ser)

Genes: LTBP3 (latent transforming growth factor beta binding protein 3; minus strand), LOC121832793 (Sharpr-MPRA regulatory region 4001; plus strand). Cytogenetic location: 11q13.1.
Variant type: single nucleotide variant.
Coding change: c.2942A>G on transcript NM_001130144.3 (MANE Select); coding-DNA position 2942, A replaced by G.
Protein change: p.Asn981Ser; replaces asparagine 981 with serine.
Molecular consequence: missense variant.
Genome position (GRCh38, 1-based): chr11:65,540,906, T>C on the plus strand (A>G on the coding strand, the complement: LTBP3 is on the minus strand). VCF-style: chr11-65540906-T-C. GRCh37 (hg19) VCF-style: chr11-65308377-T-C.
Other names: c.2591A>G, p.Asn864Ser (NM_001164266.1); c.2942A>G, p.Asn981Ser (NM_021070.4); short protein forms N864S, N981S.
Identifiers: ClinVar variation 4809998 (VCV004809998.1).

ClinVar aggregate classification (germline): Uncertain significance (1 of 4 stars; one submission).

Conditions:
Brachyolmia-amelogenesis imperfecta syndrome. Also called: PLATYSPONDYLY WITH AMELOGENESIS IMPERFECTA; Tooth agenesis, selective, 6; Dental anomalies and short stature. Identifiers: Orphanet 2899, MedGen C1832594, MONDO:0011018, OMIM 601216. Disease mechanism: loss of function.

Submission:

Labcorp Genetics (formerly Invitae), Labcorp
Classification: Uncertain significance for Brachyolmia-amelogenesis imperfecta syndrome. Last evaluated: 2025-08-11. Review status: criteria provided, single submitter. Criteria: Invitae Variant Classification Sherloc (09022015). Collection method: clinical testing. Allele origin: germline.
Comment: This sequence change replaces asparagine, which is neutral and polar, with serine, which is neutral and polar, at codon 981 of the LTBP3 protein (p.Asn981Ser). This variant is present in population databases (no rsID available, gnomAD 0.007%). This variant has not been reported in the literature in individuals affected with LTBP3-related conditions. An algorithm developed to predict the effect of missense changes on protein structure and function outputs the following: PolyPhen-2: "Benign". The serine amino acid residue is found in multiple mammalian species, which suggests that this missense change does not adversely affect protein function. In summary, the available evidence is currently insufficient to determine the role of this variant in disease. Therefore, it has been classified as a Variant of Uncertain Significance.